The following is an entry in ClinVar:

NM_014254.3(RXYLT1):c.376G>A (p.Val126Met)

Gene: RXYLT1 (ribitol xylosyltransferase 1; plus strand). Cytogenetic location: 12q14.2.
Variant type: single nucleotide variant.
Coding change: c.376G>A on transcript NM_014254.3 (MANE Select); coding-DNA position 376, G replaced by A.
Protein change: p.Val126Met; replaces valine 126 with methionine.
Molecular consequence: missense variant. On other transcripts: 5 prime UTR variant (1).
Genome position (GRCh38, 1-based): chr12:63,785,020, G>A. VCF-style: chr12-63785020-G-A. GRCh37 (hg19) VCF-style: chr12-64178800-G-A.
Other names: c.-405G>A (NM_001278237.2); short protein forms V126M.
Identifiers: ClinVar variation 2166264 (VCV002166264.1), dbSNP rs1002279701, ClinGen allele CA238227354.

ClinVar aggregate classification (germline): Uncertain significance (1 of 4 stars; one submission).

Allele frequency attached by ClinVar (database versions not stated): gnomAD 0.00001; TOPMed 0.00002.
gnomAD v4.1: 1 of 1,613,876 alleles (0.000062%); highest among the groups gnomAD compares: Admixed American, 0.0017%; no homozygotes.

Submission:

Labcorp Genetics (formerly Invitae), Labcorp
Classification: Uncertain significance. Last evaluated: 2022-03-24. Review status: criteria provided, single submitter. Criteria: Invitae Variant Classification Sherloc (09022015). Collection method: clinical testing. Allele origin: germline.
Comment: This sequence change replaces valine, which is neutral and non-polar, with methionine, which is neutral and non-polar, at codon 126 of the RXYLT1 protein (p.Val126Met). This variant is not present in population databases (gnomAD no frequency). This variant has not been reported in the literature in individuals affected with RXYLT1-related conditions. Algorithms developed to predict the effect of missense changes on protein structure and function are either unavailable or do not agree on the potential impact of this missense change (SIFT: "Deleterious"; PolyPhen-2: "Benign"; Align-GVGD: "Class C0"). In summary, the available evidence is currently insufficient to determine the role of this variant in disease. Therefore, it has been classified as a Variant of Uncertain Significance.